The following is an entry in ClinVar:

ClinVar aggregate classification (germline): Pathogenic. Review status: criteria provided, multiple submitters, no conflicts (2 of 4 stars). 2 submissions from 2 submitters: Pathogenic (2). Last evaluated 2025-10-16.

Allele frequency attached by ClinVar (database versions not stated): gnomAD exomes below 0.00001.
gnomAD v4.1: 1 of 1,177,118 alleles (0.000085%); highest among the groups gnomAD compares: Admixed American, 0.0022%; no homozygotes.

Submissions (2):

Dasa
Classification: Pathogenic. Last evaluated: 2025-10-16. Review status: criteria provided, single submitter. Criteria: DASA Assertion Criteria. Collection method: clinical testing. Allele origin: germline.
Comment: NM_033380.3(COL4A5):c.1423+1G>A introduces a premature termination codon predicted to result in loss of normal protein function. Loss-of-function is an established mechanism of disease for this gene. This variant results in the same amino acid change as a previously established pathogenic variant. The variant is present at low frequency in population datasets. Based on the available data, this variant is classified as pathogenic.

Labcorp Genetics (formerly Invitae), Labcorp
Classification: Pathogenic. Last evaluated: 2024-04-06. Review status: criteria provided, single submitter. Criteria: Invitae Variant Classification Sherloc (09022015). Collection method: clinical testing. Allele origin: germline.
Comment: This sequence change affects a donor splice site in intron 21 of the COL4A5 gene. It is expected to disrupt RNA splicing. Variants that disrupt the donor or acceptor splice site typically lead to a loss of protein function (PMID: 16199547), and loss-of-function variants in COL4A5 are known to be pathogenic (PMID: 9195222, 10752524, 14514738, 24854265, 26809805). This variant is not present in population databases (gnomAD no frequency). Disruption of this splice site has been observed in individuals with clinical features of Alport syndrome (PMID: 9848783, 30773290; Invitae). This variant is also known as 1625+1G>A. Algorithms developed to predict the effect of sequence changes on RNA splicing suggest that this variant may disrupt the consensus splice site. For these reasons, this variant has been classified as Pathogenic.

Literature cited by the submitters: PubMed 16199547 (cited by Labcorp Genetics (formerly Invitae), Labcorp); PubMed 9195222 (cited by Labcorp Genetics (formerly Invitae), Labcorp); PubMed 10752524 (cited by Labcorp Genetics (formerly Invitae), Labcorp); PubMed 14514738 (cited by Labcorp Genetics (formerly Invitae), Labcorp); PubMed 24854265 (cited by Labcorp Genetics (formerly Invitae), Labcorp); PubMed 26809805 (cited by Labcorp Genetics (formerly Invitae), Labcorp); PubMed 9848783 (cited by Labcorp Genetics (formerly Invitae), Labcorp); PubMed 30773290 (cited by Labcorp Genetics (formerly Invitae), Labcorp).

NM_033380.3(COL4A5):c.1423+1G>A

Gene: COL4A5 (collagen type IV alpha 5 chain; plus strand). Cytogenetic location: Xq22.3.
Variant type: single nucleotide variant.
Coding change: c.1423+1G>A on transcript NM_033380.3 (MANE Select); the canonical splice donor site of the intron after coding-DNA position 1423, G replaced by A.
Molecular consequence: splice donor variant.
Genome position (GRCh38, 1-based): chrX:108,591,645, G>A. VCF-style: chrX-108591645-G-A. GRCh37 (hg19) VCF-style: chrX-107834875-G-A.
Other names: c.1423+1G>A (NM_000495.5).
Identifiers: ClinVar variation 2737333 (VCV002737333.4), dbSNP rs104886312, ClinGen allele CA258479.